The following is an entry in ClinVar:

NM_018975.4(TERF2IP):c.332C>G (p.Ser111Trp)

Gene: TERF2IP (TERF2 interacting protein; plus strand). Cytogenetic location: 16q23.1.
Variant type: single nucleotide variant.
Coding change: c.332C>G on transcript NM_018975.4 (MANE Select); coding-DNA position 332, C replaced by G.
Protein change: p.Ser111Trp; replaces serine 111 with tryptophan.
Molecular consequence: missense variant. On other transcripts: non-coding transcript variant (1).
Genome position (GRCh38, 1-based): chr16:75,648,214, C>G. VCF-style: chr16-75648214-C-G. GRCh37 (hg19) VCF-style: chr16-75682112-C-G.
Other names: short protein forms S111W.
Identifiers: ClinVar variation 2448527 (VCV002448527.5), dbSNP rs764637619, ClinGen allele CA8177982.

ClinVar aggregate classification (germline): Uncertain significance. Review status: criteria provided, multiple submitters, no conflicts (2 of 4 stars). 2 submissions from 2 submitters: Uncertain significance (2). Last evaluated 2024-01-06.

Allele frequency attached by ClinVar (database versions not stated): ExAC 0.00007.

Submissions (2):

Labcorp Genetics (formerly Invitae), Labcorp
Classification: Uncertain significance. Last evaluated: 2024-01-06. Review status: criteria provided, single submitter. Criteria: Invitae Variant Classification Sherloc (09022015). Collection method: clinical testing. Allele origin: germline.
Comment: This sequence change replaces serine, which is neutral and polar, with tryptophan, which is neutral and slightly polar, at codon 111 of the TERF2IP protein (p.Ser111Trp). This variant is present in population databases (rs764637619, gnomAD 0.004%). This variant has not been reported in the literature in individuals affected with TERF2IP-related conditions. ClinVar contains an entry for this variant (Variation ID: 2448527). An algorithm developed to predict the effect of missense changes on protein structure and function (PolyPhen-2) suggests that this variant is likely to be tolerated. In summary, the available evidence is currently insufficient to determine the role of this variant in disease. Therefore, it has been classified as a Variant of Uncertain Significance.

Ambry Genetics
Classification: Uncertain significance. Last evaluated: 2022-11-25. Review status: criteria provided, single submitter. Criteria: Ambry Variant Classification Scheme 2023. Collection method: clinical testing. Allele origin: germline.
Comment: The p.S111W variant (also known as c.332C>G), located in coding exon 1 of the TERF2IP gene, results from a C to G substitution at nucleotide position 332. The serine at codon 111 is replaced by tryptophan, an amino acid with highly dissimilar properties. This amino acid position is conserved. In addition, this alteration is predicted to be tolerated by in silico analysis. Since supporting evidence is limited at this time, the clinical significance of this alteration remains unclear.